The following is an entry in ClinVar:

NM_001127464.1:c.5416C>A

Gene: ZNF469 (zinc finger protein 469; plus strand).
Variant type: single nucleotide variant.
Identifiers: ClinVar variation 4082549 (VCV004082549.1).

ClinVar aggregate classification (germline): Uncertain significance (1 of 4 stars; one submission).

Submission:

GeneDx
Classification: Uncertain significance. Last evaluated: 2025-03-15. Review status: criteria provided, single submitter. Criteria: GeneDx Variant Classification Process June 2021. Collection method: clinical testing. Allele origin: germline. Affected: yes.
Comment: Not observed at significant frequency in large population cohorts (gnomAD); In silico analysis indicates that this missense variant does not alter protein structure/function; Has not been previously published as pathogenic or benign to our knowledge